The following is an entry in ClinVar:

NM_000187.4(HGD):c.347T>C (p.Leu116Pro)

Gene: HGD (homogentisate 1,2-dioxygenase; minus strand). Cytogenetic location: 3q13.33.
Variant type: single nucleotide variant.
Coding change: c.347T>C on transcript NM_000187.4 (MANE Select); coding-DNA position 347, T replaced by C.
Protein change: p.Leu116Pro; replaces leucine 116 with proline.
Molecular consequence: missense variant.
Genome position (GRCh38, 1-based): chr3:120,650,861, A>G on the plus strand (T>C on the coding strand, the complement: HGD is on the minus strand). VCF-style: chr3-120650861-A-G. GRCh37 (hg19) VCF-style: chr3-120369708-A-G.
Other names: short protein forms L116P.
Identifiers: ClinVar variation 554869 (VCV000554869.25), dbSNP rs569846003, ClinGen allele CA2560232.

ClinVar aggregate classification (germline): Pathogenic/Likely pathogenic. Review status: criteria provided, multiple submitters, no conflicts (2 of 4 stars). 7 submissions from 7 submitters: Pathogenic (2); Likely pathogenic (3). 2 of the submissions do not count toward it. Last evaluated 2025-05-01.

Conditions:
Alkaptonuria (AKU). Also called: Alcaptonuria; Homogentisic acidura; Alkaptonuric ochronosis; HOMOGENTISIC ACID OXIDASE DEFICIENCY. Identifiers: Orphanet 56, MedGen C0002066, MONDO:0008753, OMIM 203500.

Allele frequency attached by ClinVar (database versions not stated): 1000 Genomes Project 0.00020; TOPMed below 0.00001; gnomAD 0.00001; gnomAD exomes 0.00003 and 0.00004; ExAC 0.00004; 1000 Genomes Project 30x 0.00016.
gnomAD v4.1: 39 of 1,612,988 alleles (0.0024%); highest among the groups gnomAD compares: South Asian, 0.042%; no homozygotes.

Submissions (7):

CeGaT Center for Human Genetics Tuebingen
Classification: Pathogenic. Last evaluated: 2025-05-01. Review status: criteria provided, single submitter. Criteria: CeGaT Center For Human Genetics Tuebingen Variant Classification Criteria Version 2. Collection method: clinical testing. Allele origin: germline. Affected: yes. Observed: 1 variant allele.
Comment: HGD: PM3:Strong, PM1, PM2, PP4:Moderate

Genomic Medicine Center of Excellence, King Faisal Specialist Hospital and Research Centre
Classification: Likely pathogenic for Alkaptonuria. Last evaluated: 2024-09-22. Review status: criteria provided, single submitter. Criteria: ACMG Guidelines, 2015. Collection method: clinical testing. Allele origin: germline.

Fulgent Genetics
Classification: Likely pathogenic for Alkaptonuria. Last evaluated: 2024-03-23. Review status: criteria provided, single submitter. Criteria: ACMG Guidelines, 2015. Collection method: clinical testing. Allele origin: germline.

Labcorp Genetics (formerly Invitae), Labcorp
Classification: Likely pathogenic for Alkaptonuria. Last evaluated: 2023-10-24. Review status: criteria provided, single submitter. Criteria: Invitae Variant Classification Sherloc (09022015). Collection method: clinical testing. Allele origin: germline.
Comment: This sequence change replaces leucine, which is neutral and non-polar, with proline, which is neutral and non-polar, at codon 116 of the HGD protein (p.Leu116Pro). This variant is present in population databases (rs569846003, gnomAD 0.04%). This missense change has been observed in individual(s) with alkaptonuria (PMID: 23430897, 25681086, 32212000). ClinVar contains an entry for this variant (Variation ID: 554869). Advanced modeling of protein sequence and biophysical properties (such as structural, functional, and spatial information, amino acid conservation, physicochemical variation, residue mobility, and thermodynamic stability) performed at Invitae indicates that this missense variant is expected to disrupt HGD protein function with a positive predictive value of 80%. In summary, the currently available evidence indicates that the variant is pathogenic, but additional data are needed to prove that conclusively. Therefore, this variant has been classified as Likely Pathogenic.

Institute of Medical Genetics and Genomics, Sir Ganga Ram Hospital
Classification: Pathogenic for Alkaptonuria. Last evaluated: 2023-06-24. Review status: criteria provided, single submitter. Criteria: ACMG Guidelines, 2015. Collection method: clinical testing. Allele origin: inherited. Inheritance: Autosomal recessive inheritance. Affected: yes.
Comment: This variant is present in exon 6 is in a mutational hotspot region where 10 pathogenic variants have been reported so far (PM1_moderate). In this gene, 79 pathogenic missense variants (PP2_supporting) have been reported. Variant has been found 0.0044% in gnomAD (aggregated) (PM2_Moderate). This variant has been previously reported: PMID:25681086 (PP5_strong).

Counsyl
Classification: Uncertain significance for Alkaptonuria. Last evaluated: 2017-11-14. Review status: no assertion criteria provided. Collection method: clinical testing. Allele origin: unknown. Not counted in ClinVar's aggregate classification.

Department Of Human Genetics, Institute Of Clinical And Translational Research, Biomedical Research Center, Slovak Academy Of Sciences
Classification: Pathogenic for Alkaptonuria. Review status: no assertion criteria provided. Collection method: research. Allele origin: germline. Inheritance: Autosomal recessive inheritance. Affected: yes. Observed: 7 variant alleles. Not counted in ClinVar's aggregate classification.
Comment: The variant was described in AKU patient in PMID:23430897. It has been submitted to the HGD gene mutation database (DB-ID: AKU_00026).

Literature cited by the submitters: PubMed 23430897 (cited by 3 submitters); PubMed 25681086 (cited by 3 submitters); PubMed 32212000 (cited by Labcorp Genetics (formerly Invitae), Labcorp).